The following is an entry in ClinVar:

ClinVar aggregate classification (germline): Uncertain significance (1 of 4 stars; one submission).

Conditions:
Seckel syndrome 1 (SCKL1). Also called: MICROCEPHALIC PRIMORDIAL DWARFISM I. Identifiers: Orphanet 808, MedGen C4551474, MONDO:0008869, OMIM 210600.

Allele frequency attached by ClinVar (database versions not stated): gnomAD exomes below 0.00001.
gnomAD v4.1: 1 of 1,614,122 alleles (0.000062%); highest among the groups gnomAD compares: Non-Finnish European, 0.000085%; no homozygotes.

Submission:

Baylor Genetics
Classification: Uncertain significance for Seckel syndrome 1. Last evaluated: 2018-08-08. Review status: criteria provided, single submitter. Criteria: ACMG Guidelines, 2015. Collection method: clinical testing. Allele origin: unknown. Affected: yes.
Comment: This variant was determined to be of uncertain significance according to ACMG Guidelines, 2015 [PMID:25741868].

NM_001184.4(ATR):c.214A>G (p.Ile72Val)

Gene: ATR (ATR serine/threonine kinase; minus strand). Cytogenetic location: 3q23.
Variant type: single nucleotide variant.
Coding change: c.214A>G on transcript NM_001184.4 (MANE Select); coding-DNA position 214, A replaced by G.
Protein change: p.Ile72Val; replaces isoleucine 72 with valine.
Molecular consequence: missense variant.
Genome position (GRCh38, 1-based): chr3:142,566,199, T>C on the plus strand (A>G on the coding strand, the complement: ATR is on the minus strand). VCF-style: chr3-142566199-T-C. GRCh37 (hg19) VCF-style: chr3-142285041-T-C.
Other names: c.214A>G, p.Ile72Val (NM_001354579.2); short protein forms I72V.
Identifiers: ClinVar variation 1033776 (VCV001033776.1), dbSNP rs1394561249, ClinGen allele CA354828555.
Genomic context (GRCh38, chr3:142,566,199, plus strand): 5'-CCTCATGGCTTCCACTCACATTTACAAACATAAGTGGGGAGGATTTCATGATATGCTGGA[T>C]GAAATCAAGCAACATCACGGAGGTTGGCTGAGAGTCAGTTTTCTTTACAAGTTCTACAGC-3'
Protein context (NP_001175.2, residues 62-82): QPTSVMLLDF[Ile72Val]QHIMKSSPLM